The following is an entry in ClinVar:

ClinVar aggregate classification (germline): Uncertain significance (1 of 4 stars; one submission).

Conditions:
Inborn genetic diseases. Identifiers: MedGen C0950123, MeSH D030342.

Submission:

Ambry Genetics
Classification: Uncertain significance for Inborn genetic diseases. Last evaluated: 2026-04-12. Review status: criteria provided, single submitter. Criteria: Ambry Variant Classification Scheme 2023. Collection method: clinical testing. Allele origin: germline.
Comment: The p.V541A variant (also known as c.1622T>C), located in coding exon 10 of the RECQL4 gene, results from a T to C substitution at nucleotide position 1622. The valine at codon 541 is replaced by alanine, an amino acid with similar properties. This amino acid position is conserved. In addition, this alteration is predicted to be tolerated by in silico analysis. Based on the available evidence, the clinical significance of this variant remains unclear.

NM_004260.4(RECQL4):c.1622T>C (p.Val541Ala)

Gene: RECQL4 (RecQ like helicase 4; minus strand). Cytogenetic location: 8q24.3.
Variant type: single nucleotide variant.
Coding change: c.1622T>C on transcript NM_004260.4 (MANE Select); coding-DNA position 1622, T replaced by C.
Protein change: p.Val541Ala; replaces valine 541 with alanine.
Molecular consequence: missense variant. On other transcripts: non-coding transcript variant (3).
Genome position (GRCh38, 1-based): chr8:144,514,524, A>G on the plus strand (T>C on the coding strand, the complement: RECQL4 is on the minus strand). VCF-style: chr8-144514524-A-G. GRCh37 (hg19) VCF-style: chr8-145739908-A-G.
Other names: c.1526T>C, p.Val509Ala (NM_001413017.1, NM_001413020.1); c.1622T>C, p.Val541Ala (NM_001413018.1, NM_001413019.1, NM_001413033.1 and 1 more transcripts); c.551T>C, p.Val184Ala (NM_001413021.1, NM_001413022.1, NM_001413023.1 and 7 more transcripts); c.1493T>C, p.Val498Ala (NM_001413025.1); c.485T>C, p.Val162Ala (NM_001413027.1, NM_001413030.1, NM_001413031.1 and 2 more transcripts); c.1271T>C, p.Val424Ala (NM_001413029.1); c.1592T>C, p.Val531Ala (NM_001413039.1); c.521T>C, p.Val174Ala (NM_001413042.1); and 1 more; short protein forms V162A, V174A, V184A, V424A, V498A, V509A, V52A, V531A.
Identifiers: ClinVar variation 4863163 (VCV004863163.1).
Genomic context (GRCh38, chr8:144,514,524, plus strand): 5'-TGCTTCCTGGTCATGCCCGAGTGTATGCAGGCCGCCTTGAGACACGGTGGCAGGCCAGAC[A>G]CCTGCAAATGCAGGAGCGACAGCCGTCATACGCCAGCCCAGCCCTGGCCCTTCCCCAAGT-3'
Protein context (NP_004251.4, residues 531-551): SPLLSLMDDQ[Val541Ala]SGLPPCLKAA